The following is an entry in ClinVar:

NM_001376.5(DYNC1H1):c.8012T>C (p.Met2671Thr)

Gene: DYNC1H1 (dynein cytoplasmic 1 heavy chain 1; plus strand). Cytogenetic location: 14q32.31.
Variant type: single nucleotide variant.
Coding change: c.8012T>C on transcript NM_001376.5 (MANE Select); coding-DNA position 8012, T replaced by C.
Protein change: p.Met2671Thr; replaces methionine 2671 with threonine.
Molecular consequence: missense variant.
Genome position (GRCh38, 1-based): chr14:102,017,251, T>C. VCF-style: chr14-102017251-T-C. GRCh37 (hg19) VCF-style: chr14-102483588-T-C.
Other names: short protein forms M2671T.
Identifiers: ClinVar variation 2101752 (VCV002101752.28), dbSNP rs2048334077, ClinGen allele CA391003982.

ClinVar aggregate classification (germline): Uncertain significance. Review status: criteria provided, multiple submitters, no conflicts (2 of 4 stars). 2 submissions from 2 submitters: Uncertain significance (2). Last evaluated 2022-10-07.

Conditions:
Charcot-Marie-Tooth disease axonal type 2O. Also called: CHARCOT-MARIE-TOOTH NEUROPATHY, AXONAL, TYPE 2O; CHARCOT-MARIE-TOOTH DISEASE, AXONAL, AUTOSOMAL DOMINANT, TYPE 2O; Charcot-Marie-Tooth Neuropathy Type 2O; Charcot-Marie-Tooth disease, axonal, type 20. Identifiers: Orphanet 284232, MedGen C3280220, MONDO:0013644, OMIM 614228.

Allele frequency attached by ClinVar (database versions not stated): gnomAD exomes below 0.00001; TOPMed 0.00001.
gnomAD v4.1: 3 of 1,614,252 alleles (0.00019%); highest among the groups gnomAD compares: South Asian, 0.0011%; no homozygotes.

Submissions (2):

Labcorp Genetics (formerly Invitae), Labcorp
Classification: Uncertain significance for Charcot-Marie-Tooth disease axonal type 2O. Last evaluated: 2022-10-07. Review status: criteria provided, single submitter. Criteria: Invitae Variant Classification Sherloc (09022015). Collection method: clinical testing. Allele origin: germline.
Comment: In summary, the available evidence is currently insufficient to determine the role of this variant in disease. Therefore, it has been classified as a Variant of Uncertain Significance. Advanced modeling of protein sequence and biophysical properties (such as structural, functional, and spatial information, amino acid conservation, physicochemical variation, residue mobility, and thermodynamic stability) performed at Invitae indicates that this missense variant is not expected to disrupt DYNC1H1 protein function. This variant has not been reported in the literature in individuals affected with DYNC1H1-related conditions. This variant is not present in population databases (gnomAD no frequency). This sequence change replaces methionine, which is neutral and non-polar, with threonine, which is neutral and polar, at codon 2671 of the DYNC1H1 protein (p.Met2671Thr).

CeGaT Center for Human Genetics Tuebingen
Classification: Uncertain significance. Last evaluated: 2022-05-01. Review status: criteria provided, single submitter. Criteria: CeGaT Center For Human Genetics Tuebingen Variant Classification Criteria Version 2. Collection method: clinical testing. Allele origin: germline. Affected: yes. Observed: 1 variant allele.
Comment: DYNC1H1: PM2, PP2